The following is an entry in ClinVar:

ClinVar aggregate classification (germline): Likely pathogenic (1 of 4 stars; one submission).

Conditions:
Autosomal recessive spastic ataxia. Identifiers: Orphanet 316240, MedGen C5679900, MONDO:0017847.

Submission:

Laboratory for Molecular Medicine, Mass General Brigham Personalized Medicine
Classification: Likely pathogenic for Autosomal recessive spastic ataxia. Last evaluated: 2019-04-15. Review status: criteria provided, single submitter. Criteria: LMM Criteria. Collection method: clinical testing. Allele origin: germline. Inheritance: Autosomal recessive inheritance. Observed: 1 variant allele.
Comment: The p.Trp3701MetfsX17 variant in SACS has not been previously reported in individuals with spastic ataxia and was absent from large population studies. This variant is predicted to cause a frameshift, which alters the proteinâ€™s amino acid sequence beginning at position 3701 and leads to a premature termination codon 17 amino acids downstream. This termination codon occurs within the last exon and is, therefore, likely to escape nonsense mediated decay (NMD) and result in a protein truncated by 860 amino acids (representing 19% of the full protein length). Notably, many other truncating variants in this region have been reported in the homozygous or compound heterozygous state in individuals with ARSACS. In summary, although additional studies are required to fully establish its clinical significance, this variant meets criteria to be classified as likely pathogenic for autosomal recessive spastic ataxia, Charlevoix-Saguenay type. ACMG/AMP Criteria applied: PVS1_Strong, PM2.

NM_014363.6(SACS):c.11100dup (p.Trp3701fs)

Gene: SACS (sacsin molecular chaperone; minus strand). Cytogenetic location: 13q12.12.
Variant type: Duplication.
Coding change: c.11100dup on transcript NM_014363.6 (MANE Select); coding-DNA position 11100, one base duplicated (A; older notation c.11100dupA).
Protein change: p.Trp3701fs; shifts the reading frame from tryptophan 3701.
Molecular consequence: frameshift variant.
Genome position (GRCh38, 1-based): chr13:23,332,776, T duplicated on the plus strand (A on the coding strand, the reverse complement: SACS is on the minus strand). VCF-style (leftmost placement, unchanged base first): chr13-23332775-A-AT. GRCh37 (hg19) VCF-style: chr13-23906914-A-AT.
Other names: c.10659dup, p.Trp3554fs (NM_001278055.2); short protein forms W3554fs, W3701fs.
Identifiers: ClinVar variation 929954 (VCV000929954.4), dbSNP rs1883571351, ClinGen allele CA1139663017.